The following is an entry in ClinVar:

ClinVar aggregate classification (germline): Likely pathogenic. Review status: criteria provided, multiple submitters, no conflicts (2 of 4 stars). 3 submissions from 3 submitters: Likely pathogenic (2). 1 of the submissions does not count toward it. Last evaluated 2025-12-21.

Conditions:
Tyrosinemia type I (TYRSN1). Also called: FAH DEFICIENCY; Tyrosinemia type 1; Fumarylacetoacetase deficiency; Deficiency of fumarylacetoacetase; HEPATORENAL TYROSINEMIA. Identifiers: Orphanet 882, MedGen C0268490, MONDO:0010161, OMIM 276700. Disease mechanism: loss of function.

Allele frequency attached by ClinVar (database versions not stated): gnomAD exomes 0.00001.
gnomAD v4.1: 7 of 1,602,492 alleles (0.00044%); highest among the groups gnomAD compares: Non-Finnish European, 0.0006%; no homozygotes.

Submissions (3):

Natera, Inc.
Classification: Likely pathogenic for Tyrosinemia type I. Last evaluated: 2025-12-21. Review status: criteria provided, single submitter. Criteria: Natera Variant Classification Schema (03/2026). Collection method: clinical testing. Allele origin: germline.
Comment: The c.961-2A>C variant in FAH is a canonical splice acceptor site variant predicted to affect pre-mRNA splicing, which may result in an abnormal transcript and altered protein product. This variant is expected to result in nonsense mediated decay, truncation, or a dysfunctional protein product. This variant is rare in the general population with a frequency below the threshold expected for the associated phenotype(s). Given the available evidence, this variant is classified as Likely Pathogenic.

Baylor Genetics
Classification: Likely pathogenic for Tyrosinemia type I. Last evaluated: 2023-06-22. Review status: criteria provided, single submitter. Criteria: ACMG Guidelines, 2015. Collection method: clinical testing. Allele origin: unknown.

Counsyl
Classification: Likely pathogenic for Tyrosinemia type I. Last evaluated: 2018-03-02. Review status: no assertion criteria provided. Collection method: clinical testing. Allele origin: unknown. Not counted in ClinVar's aggregate classification.

NM_000137.4(FAH):c.961-2A>C

Gene: FAH (fumarylacetoacetate hydrolase; plus strand). Cytogenetic location: 15q25.1.
Variant type: single nucleotide variant.
Coding change: c.961-2A>C on transcript NM_000137.4 (MANE Select); the canonical splice acceptor site of the intron before coding-DNA position 961, A replaced by C.
Molecular consequence: splice acceptor variant.
Genome position (GRCh38, 1-based): chr15:80,180,122, A>C. VCF-style: chr15-80180122-A-C. GRCh37 (hg19) VCF-style: chr15-80472464-A-C.
Other names: c.961-2A>C (NM_001374377.1, NM_001374380.1).
Identifiers: ClinVar variation 557017 (VCV000557017.4), dbSNP rs1555442289, ClinGen allele CA393621636.